The following is an entry in ClinVar:

NM_032608.7(MYO18B):c.544C>A (p.Pro182Thr)

Gene: MYO18B (myosin XVIIIB; plus strand). Cytogenetic location: 22q12.1.
Variant type: single nucleotide variant.
Coding change: c.544C>A on transcript NM_032608.7 (MANE Select); coding-DNA position 544, C replaced by A.
Protein change: p.Pro182Thr; replaces proline 182 with threonine.
Molecular consequence: missense variant.
Genome position (GRCh38, 1-based): chr22:25,768,460, C>A. VCF-style: chr22-25768460-C-A. GRCh37 (hg19) VCF-style: chr22-26164427-C-A.
Other names: c.544C>A (NM_032608.6); c.544C>A, p.Pro182Thr (NM_001318245.2); short protein forms P182T.
Identifiers: ClinVar variation 3401351 (VCV003401351.2).

ClinVar aggregate classification (germline): Uncertain significance. Review status: criteria provided, multiple submitters, no conflicts (2 of 4 stars). 2 submissions from 2 submitters: Uncertain significance (2). Last evaluated 2026-04-24.

Conditions:
MYO18B-related disorder. Also called: MYO18B-related condition.
Inborn genetic diseases. Identifiers: MedGen C0950123, MeSH D030342.

gnomAD v4.1: 52 of 1,370,602 alleles (0.0038%); highest among the groups gnomAD compares: East Asian, 0.0023%; 1 homozygote.

Submissions (2):

PreventionGenetics, part of Exact Sciences
Classification: Uncertain significance for MYO18B-related condition. Last evaluated: 2026-04-24. Review status: criteria provided, single submitter. Criteria: ACMG Guidelines, 2015. Collection method: clinical testing. Allele origin: germline.
Comment: The MYO18B c.544C>A variant is predicted to result in the amino acid substitution p.Pro182Thr. To our knowledge, this variant has not been reported in the literature. This variant is reported in 0.14% of alleles in individuals of Ashkenazi Jewish descent in gnomAD, which is likely too common for an undocumented disease-causing variant. Although we suspect that this variant may be benign, at this time, the clinical significance of this variant is uncertain due to the absence of conclusive functional and genetic evidence.

Ambry Genetics
Classification: Uncertain significance for Inborn genetic diseases. Last evaluated: 2024-08-19. Review status: criteria provided, single submitter. Criteria: Ambry Variant Classification Scheme 2023. Collection method: clinical testing. Allele origin: germline.